The following is an entry in ClinVar:

ClinVar aggregate classification (germline): Uncertain significance. Review status: criteria provided, single submitter (1 of 4 stars). 2 submissions from 2 submitters: Uncertain significance (1). 1 of the submissions does not count toward it. Last evaluated 2024-03-11.

Conditions:
Inborn genetic diseases. Identifiers: MedGen C0950123, MeSH D030342.
TBC1D1-related disorder. Also called: TBC1D1-related condition.

Allele frequency attached by ClinVar (database versions not stated): gnomAD exomes 0.00005; ExAC 0.00021; ESP Exome Variant Server 0.00038; TOPMed 0.00050; gnomAD 0.00061; 1000 Genomes Project 30x 0.00141; 1000 Genomes Project 0.00160.
gnomAD v4.1: 173 of 1,603,146 alleles (0.011%); highest among the groups gnomAD compares: African/African-American, 0.2%; 1 homozygote.

Submissions (2):

Ambry Genetics
Classification: Uncertain significance for Inborn genetic diseases. Last evaluated: 2024-03-11. Review status: criteria provided, single submitter. Criteria: Ambry Variant Classification Scheme 2023. Collection method: clinical testing. Allele origin: germline.

PreventionGenetics, part of Exact Sciences
Classification: Likely benign for TBC1D1-related condition. Last evaluated: 2024-06-17. Review status: no assertion criteria provided. Collection method: clinical testing. Allele origin: germline. Not counted in ClinVar's aggregate classification.
Comment: This variant is classified as likely benign based on ACMG/AMP sequence variant interpretation guidelines (Richards et al. 2015 PMID: 25741868, with internal and published modifications).

NM_001396959.1(TBC1D1):c.805A>G (p.Ile269Val)

Gene: TBC1D1 (TBC1 domain family member 1; plus strand). Cytogenetic location: 4p14.
Variant type: single nucleotide variant.
Coding change: c.805A>G on transcript NM_001396959.1 (MANE Select); coding-DNA position 805, A replaced by G.
Protein change: p.Ile269Val; replaces isoleucine 269 with valine.
Molecular consequence: missense variant.
Genome position (GRCh38, 1-based): chr4:38,014,896, A>G. VCF-style: chr4-38014896-A-G. GRCh37 (hg19) VCF-style: chr4-38016517-A-G.
Other names: c.805A>G, p.Ile269Val (NM_001253912.2, NM_015173.4); c.805A>G (NM_015173.3); short protein forms I269V.
Identifiers: ClinVar variation 3174380 (VCV003174380.2), dbSNP rs139404167, ClinGen allele CA2887523.